The following is an entry in ClinVar:

NM_024817.3(THSD4):c.1829C>T (p.Pro610Leu)

Gene: THSD4 (thrombospondin type 1 domain containing 4; plus strand). Cytogenetic location: 15q23.
Variant type: single nucleotide variant.
Coding change: c.1829C>T on transcript NM_024817.3 (MANE Select); coding-DNA position 1829, C replaced by T.
Protein change: p.Pro610Leu; replaces proline 610 with leucine.
Molecular consequence: missense variant.
Genome position (GRCh38, 1-based): chr15:71,737,930, C>T. VCF-style: chr15-71737930-C-T. GRCh37 (hg19) VCF-style: chr15-72030269-C-T.
Other names: c.749C>T, p.Pro250Leu (NM_001286429.2); c.1829C>T, p.Pro610Leu (NM_001394532.1); short protein forms P250L, P610L.
Identifiers: ClinVar variation 2691041 (VCV002691041.23), dbSNP rs202043198, ClinGen allele CA7639659.

ClinVar aggregate classification (germline): Likely benign. Review status: criteria provided, multiple submitters, no conflicts (2 of 4 stars). 2 submissions from 2 submitters: Likely benign (2). Last evaluated 2024-01-01.

Conditions:
Familial thoracic aortic aneurysm and aortic dissection (TAAD). Also called: Thoracic aortic aneurysms and dissections. Identifiers: Orphanet 91387, MedGen C4707243, MONDO:0019625.

Allele frequency attached by ClinVar (database versions not stated): 1000 Genomes Project 30x 0.00016; 1000 Genomes Project 0.00020; ESP Exome Variant Server 0.00024; gnomAD 0.00035; ExAC 0.00044.
gnomAD v4.1: 550 of 1,614,178 alleles (0.034%); highest among the groups gnomAD compares: Middle Eastern, 0.23%; no homozygotes.

Submissions (2):

CeGaT Center for Human Genetics Tuebingen
Classification: Likely benign. Last evaluated: 2024-01-01. Review status: criteria provided, single submitter. Criteria: CeGaT Center For Human Genetics Tuebingen Variant Classification Criteria Version 2. Collection method: clinical testing. Allele origin: germline. Affected: yes. Observed: 1 variant allele.
Comment: THSD4: BP4, BS2

CHEO Genetics Diagnostic Laboratory, Children's Hospital of Eastern Ontario
Classification: Likely benign for Familial thoracic aortic aneurysm and aortic dissection. Last evaluated: 2023-02-23. Review status: criteria provided, single submitter. Criteria: ACMG Guidelines, 2015. Collection method: clinical testing. Allele origin: germline.